The following is an entry in ClinVar:

ClinVar aggregate classification (germline): Uncertain significance (1 of 4 stars; one submission).

Conditions:
Methylmalonic acidemia with homocystinuria, type cblX (MAHCX). Also called: INTELLECTUAL DEVELOPMENTAL DISORDER, X-LINKED 3. Identifiers: Orphanet 369962, MedGen C0796208, MONDO:0010657, OMIM 309541.

Allele frequency attached by ClinVar (database versions not stated): ExAC 0.00001.

Submission:

Labcorp Genetics (formerly Invitae), Labcorp
Classification: Uncertain significance for Methylmalonic acidemia with homocystinuria, type cblX. Last evaluated: 2018-05-03. Review status: criteria provided, single submitter. Criteria: Invitae Variant Classification Sherloc (09022015). Collection method: clinical testing. Allele origin: germline.
Comment: In summary, the available evidence is currently insufficient to determine the role of this variant in disease. Therefore, it has been classified as a Variant of Uncertain Significance. Algorithms developed to predict the effect of missense changes on protein structure and function do not agree on the potential impact of this missense change (SIFT: "Deleterious"; PolyPhen-2: "Benign"; Align-GVGD: "Class C0"). This variant has not been reported in the literature in individuals with HCFC1-related disease. The frequency data for this variant in the population databases is considered unreliable, as metrics indicate poor data quality at this position in the ExAC database. This sequence change replaces threonine with isoleucine at codon 476 of the HCFC1 protein (p.Thr476Ile). The threonine residue is moderately conserved and there is a moderate physicochemical difference between threonine and isoleucine.

NM_005334.3(HCFC1):c.1427C>T (p.Thr476Ile)

Gene: HCFC1 (host cell factor C1; minus strand). Cytogenetic location: Xq28.
Variant type: single nucleotide variant.
Coding change: c.1427C>T on transcript NM_005334.3 (MANE Select); coding-DNA position 1427, C replaced by T.
Protein change: p.Thr476Ile; replaces threonine 476 with isoleucine.
Molecular consequence: missense variant.
Genome position (GRCh38, 1-based): chrX:153,959,819, G>A on the plus strand (C>T on the coding strand, the complement: HCFC1 is on the minus strand). VCF-style: chrX-153959819-G-A. GRCh37 (hg19) VCF-style: chrX-153225270-G-A.
Other names: short protein forms T476I.
Identifiers: ClinVar variation 574385 (VCV000574385.9), dbSNP rs782364666, ClinGen allele CA10557515.